The following is an entry in ClinVar:

ClinVar aggregate classification (germline): Uncertain significance. Review status: criteria provided, multiple submitters, no conflicts (2 of 4 stars). 2 submissions from 2 submitters: Uncertain significance (2). Last evaluated 2025-03-14.

Conditions:
SLC5A5-related disorder. Also called: SLC5A5-related condition.
Inborn genetic diseases. Identifiers: MedGen C0950123, MeSH D030342.

gnomAD v4.1: 15 of 1,614,116 alleles (0.00093%); highest among the groups gnomAD compares: African/African-American, 0.0027%; no homozygotes.

Submissions (2):

PreventionGenetics, part of Exact Sciences
Classification: Uncertain significance for SLC5A5-related condition. Last evaluated: 2025-03-14. Review status: criteria provided, single submitter. Criteria: ACMG Guidelines, 2015. Collection method: clinical testing. Allele origin: germline.
Comment: The SLC5A5 c.536C>T variant is predicted to result in the amino acid substitution p.Thr179Met. To our knowledge, this variant has not been reported in the literature. This variant is reported in 0.0065% of alleles in individuals of European (Non-Finnish) descent in gnomAD. At this time, the clinical significance of this variant is uncertain due to the absence of conclusive functional and genetic evidence.

Ambry Genetics
Classification: Uncertain significance for Inborn genetic diseases. Last evaluated: 2024-11-08. Review status: criteria provided, single submitter. Criteria: Ambry Variant Classification Scheme 2023. Collection method: clinical testing. Allele origin: germline.

NM_000453.3(SLC5A5):c.536C>T (p.Thr179Met)

Gene: SLC5A5 (solute carrier family 5 member 5; plus strand). Cytogenetic location: 19p13.11.
Variant type: single nucleotide variant.
Coding change: c.536C>T on transcript NM_000453.3 (MANE Select); coding-DNA position 536, C replaced by T.
Protein change: p.Thr179Met; replaces threonine 179 with methionine.
Molecular consequence: missense variant.
Genome position (GRCh38, 1-based): chr19:17,874,724, C>T. VCF-style: chr19-17874724-C-T. GRCh37 (hg19) VCF-style: chr19-17985533-C-T.
Other names: short protein forms T179M.
Identifiers: ClinVar variation 3444894 (VCV003444894.2).
Genomic context (GRCh38, chr19:17,874,724, plus strand): 5'-TGACCGGGCTGGACATCTGGGCGTCGCTCCTGTCCACCGGAATTATCTGCACCTTCTACA[C>T]GGCTGTGGTGAGTGGCCCTGGGAACTCACTCCATACGGGGGATCGGGCCCACTGTGTCTC-3'
Protein context (NP_000444.1, residues 169-189): LSTGIICTFY[Thr179Met]AVGGMKAVVW